The following is an entry in ClinVar:

ClinVar aggregate classification (germline): Uncertain significance. Review status: criteria provided, multiple submitters, no conflicts (2 of 4 stars). 4 submissions from 4 submitters: Uncertain significance (4). Last evaluated 2025-01-22.

Conditions:
Inborn genetic diseases. Identifiers: MedGen C0950123, MeSH D030342.
Lymphatic malformation 6 (LMPHM6). Also called: GENERALIZED LYMPHATIC DYSPLASIA OF FOTIOU; Lymphedema, hereditary, III; PIEZO1-related generalized lymphatic dysplasia with non-immune hydrops fetalis. Identifiers: Orphanet 568062, MedGen C4225184, MONDO:0014797, OMIM 616843.

Allele frequency attached by ClinVar (database versions not stated): TOPMed 0.00003.
gnomAD v4.1: 60 of 1,549,824 alleles (0.0039%); highest among the groups gnomAD compares: South Asian, 0.031%; 1 homozygote.

Submissions (4):

Ambry Genetics
Classification: Uncertain significance for Inborn genetic diseases. Last evaluated: 2025-01-22. Review status: criteria provided, single submitter. Criteria: Ambry Variant Classification Scheme 2023. Collection method: clinical testing. Allele origin: germline.

Clinical Genomics Laboratory, Washington University in St. Louis
Classification: Uncertain significance for Lymphatic malformation 6. Last evaluated: 2023-09-15. Review status: criteria provided, single submitter. Criteria: ACMG Guidelines, 2015. Collection method: clinical testing. Allele origin: germline.
Comment: The PIEZO1 c.7553G>C (p.Arg2518Pro) variant was identified at a near-heterozygous allelic fraction. This variant, to our knowledge, has not been reported in the medical literature. This variant has been reported in the ClinVar database as a variant of uncertain significance by two submitters (ClinVar ID: 638426). This variant is only observed on 3/152184 alleles in the general population (gnomAD v.3.1.2), indicating it is not a common variant. Computational predictors are uncertain as to the impact of this variant on the PIEZO1 function. Due to limited information and based on ACMG/AMP guidelines for variant interpretation (Richards S et al., PMID: 25741868), the clinical significance of this variant is uncertain at this time.

Revvity Omics, Revvity
Classification: Uncertain significance. Last evaluated: 2021-09-01. Review status: criteria provided, single submitter. Criteria: ACMG Guidelines, 2015. Collection method: clinical testing. Allele origin: germline.

Genomic Research Center, Shahid Beheshti University of Medical Sciences
Classification: Uncertain significance for Lymphedema, hereditary, III. Last evaluated: 2019-04-27. Review status: criteria provided, single submitter. Criteria: ACMG Guidelines, 2015. Collection method: clinical testing. Allele origin: unknown. Affected: no.

NM_001142864.4(PIEZO1):c.7553G>C (p.Arg2518Pro)

Gene: PIEZO1 (piezo type mechanosensitive ion channel component 1 (Er blood group); minus strand). Cytogenetic location: 16q24.3.
Variant type: single nucleotide variant.
Coding change: c.7553G>C on transcript NM_001142864.4 (MANE Select); coding-DNA position 7553, G replaced by C.
Protein change: p.Arg2518Pro; replaces arginine 2518 with proline.
Molecular consequence: missense variant.
Genome position (GRCh38, 1-based): chr16:88,715,618, C>G on the plus strand (G>C on the coding strand, the complement: PIEZO1 is on the minus strand). VCF-style: chr16-88715618-C-G. GRCh37 (hg19) VCF-style: chr16-88782026-C-G.
Other names: c.7553G>C, p.Arg2518Pro (LRG_1137t1); c.7553G>C (NM_001142864.2); short protein forms R2518P.
Identifiers: ClinVar variation 638426 (VCV000638426.8), dbSNP rs774268616, ClinGen allele CA8231293.